The following is an entry in ClinVar:

ClinVar aggregate classification (germline): Conflicting classifications of pathogenicity. Review status: criteria provided, conflicting classifications (1 of 4 stars). 2 submissions from 2 submitters: Uncertain significance (1); Likely benign (1). Last evaluated 2025-03-21.

Conditions:
Cardiovascular phenotype. Identifiers: MedGen CN230736.

Allele frequency attached by ClinVar (database versions not stated): gnomAD 0.00002; TOPMed 0.00002.
gnomAD v4.1: 10 of 1,546,022 alleles (0.00065%); highest among the groups gnomAD compares: Non-Finnish European, 0.00087%; no homozygotes.

Submissions (2):

GeneDx
Classification: Uncertain significance. Last evaluated: 2025-03-21. Review status: criteria provided, single submitter. Criteria: GeneDx Variant Classification Process June 2021. Collection method: clinical testing. Allele origin: germline. Affected: yes.
Comment: Not observed at significant frequency in large population cohorts (gnomAD); In silico analysis indicates that this missense variant does not alter protein structure/function; Has not been previously published as pathogenic or benign to our knowledge; Reported using an alternate transcript of the gene

Ambry Genetics
Classification: Likely benign for Cardiovascular phenotype. Last evaluated: 2024-10-11. Review status: criteria provided, single submitter. Criteria: Ambry Variant Classification Scheme 2023. Collection method: clinical testing. Allele origin: germline.

NM_001114753.3(ENG):c.1900T>G (p.Ser634Ala)

Gene: ENG (endoglin; minus strand). Cytogenetic location: 9q34.11.
Variant type: single nucleotide variant.
Coding change: c.1900T>G on transcript NM_001114753.3 (MANE Select); coding-DNA position 1900, T replaced by G.
Protein change: p.Ser634Ala; replaces serine 634 with alanine.
Molecular consequence: missense variant.
Genome position (GRCh38, 1-based): chr9:127,815,759, A>C on the plus strand (T>G on the coding strand, the complement: ENG is on the minus strand). VCF-style: chr9-127815759-A-C. GRCh37 (hg19) VCF-style: chr9-130578038-A-C.
Other names: c.*158T>G (NM_000118.4); c.1354T>G, p.Ser452Ala (NM_001278138.2); short protein forms S634A, S452A.
Identifiers: ClinVar variation 1782310 (VCV001782310.4), dbSNP rs1040594389, ClinGen allele CA200301183.